The following is an entry in ClinVar:

NM_138927.4(SON):c.5917A>T (p.Thr1973Ser)

Gene: SON (SON DNA and RNA binding protein; plus strand). Cytogenetic location: 21q22.11.
Variant type: single nucleotide variant.
Coding change: c.5917A>T on transcript NM_138927.4 (MANE Select); coding-DNA position 5917, A replaced by T.
Protein change: p.Thr1973Ser; replaces threonine 1973 with serine.
Molecular consequence: missense variant. On other transcripts: non-coding transcript variant (1), intron variant (1).
Genome position (GRCh38, 1-based): chr21:33,555,148, A>T. VCF-style: chr21-33555148-A-T. GRCh37 (hg19) VCF-style: chr21-34927454-A-T.
Other names: c.5917A>T, p.Thr1973Ser (NM_001291411.2, NM_032195.3); c.245-2008A>T (NM_001291412.3); short protein forms T1973S.
Identifiers: ClinVar variation 4764384 (VCV004764384.1).

ClinVar aggregate classification (germline): Uncertain significance (1 of 4 stars; one submission).

Submission:

Labcorp Genetics (formerly Invitae), Labcorp
Classification: Uncertain significance. Last evaluated: 2025-09-08. Review status: criteria provided, single submitter. Criteria: Invitae Variant Classification Sherloc (09022015). Collection method: clinical testing. Allele origin: germline.
Comment: This sequence change replaces threonine, which is neutral and polar, with serine, which is neutral and polar, at codon 1973 of the SON protein (p.Thr1973Ser). This variant is not present in population databases (gnomAD no frequency). This variant has not been reported in the literature in individuals affected with SON-related conditions. Experimental studies and prediction algorithms are not available or were not evaluated, and the functional significance of this variant is currently unknown. In summary, the available evidence is currently insufficient to determine the role of this variant in disease. Therefore, it has been classified as a Variant of Uncertain Significance.